The following is an entry in ClinVar:

NM_001130987.2(DYSF):c.5437del (p.Leu1813fs)

Gene: DYSF (dysferlin; plus strand). Cytogenetic location: 2p13.2.
Variant type: Deletion.
Coding change: c.5437del on transcript NM_001130987.2 (MANE Select); coding-DNA position 5437, one base deleted (C; older notation c.5437delC).
Protein change: p.Leu1813fs; shifts the reading frame from leucine 1813.
Molecular consequence: frameshift variant.
Genome position (GRCh38, 1-based): chr2:71,667,495, C deleted; the last of 5 consecutive C bases (chr2:71,667,491-71,667,495); deleting any one gives the same sequence. VCF-style (leftmost placement, unchanged base first): chr2-71667490-GC-G. GRCh37 (hg19) VCF-style: chr2-71894620-GC-G.
Other names: c.5323del, p.Leu1775fs (NM_001130455.2); c.5278del, p.Leu1760fs (NM_001130976.2); c.5341del, p.Leu1781fs (NM_001130977.2); c.5383del, p.Leu1795fs (NM_001130978.2); c.5413del, p.Leu1805fs (NM_001130979.2); c.5371del, p.Leu1791fs (NM_001130980.2); c.5434del, p.Leu1812fs (NM_001130981.2); c.5416del, p.Leu1806fs (NM_001130982.2); and 5 more; short protein forms L1760fs, L1761fs, L1774fs, L1775fs, L1781fs, L1782fs, L1791fs, L1792fs.
Identifiers: ClinVar variation 1725380 (VCV001725380.3), dbSNP rs769873428, ClinGen allele CA2580067958.
Genomic context (GRCh38, chr2:71,667,490, plus strand): 5'-TGCATGTGCTTCAGCAGCAGGGCCTGGTCCCGGAGCACGTGGAGTCACGGCCCCTCTACA[GC>G]CCCCTGCAGCCAGACATCGAGCAGGTAGGACCTTGACCCTTGGGTCCCAGAGTCCTCGAA-3'

ClinVar aggregate classification (germline): Likely pathogenic (1 of 4 stars; one submission).

Conditions:
Autosomal recessive limb-girdle muscular dystrophy. Identifiers: Orphanet 102015, MedGen C2931907, MONDO:0015152.

Submission:

Myriad Genetics, Inc.
Classification: Likely pathogenic for Autosomal recessive limb-girdle muscular dystrophy. Last evaluated: 2021-12-03. Review status: criteria provided, single submitter. Criteria: Myriad Autosomal Dominant, Autosomal Recessive and X-Linked Classification Criteria (2023). Collection method: clinical testing. Allele origin: unknown.
Comment: NM_003494.3(DYSF):c.5320delC(L1774Cfs*50) is expected to be pathogenic in the context of dysferlinopathy. This variant is predicted to lead to an abnormal or absent protein product due to the creation of a premature termination codon in DYSF, a gene where loss-of-function variants are known to be pathogenic. Please note: this variant was assessed in the context of healthy population screening.